The following is an entry in ClinVar:

ClinVar aggregate classification (germline): Likely pathogenic (1 of 4 stars; one submission).

Submission:

Labcorp Genetics (formerly Invitae), Labcorp
Classification: Likely pathogenic. Last evaluated: 2026-01-05. Review status: criteria provided, single submitter. Criteria: Invitae Variant Classification Sherloc (09022015). Collection method: clinical testing. Allele origin: germline.
Comment: This sequence change falls in intron 14 of the MSH3 gene. It does not directly change the encoded amino acid sequence of the MSH3 protein. RNA analysis indicates that this variant induces altered splicing and may result in an absent or altered protein product. This variant is not present in population databases (gnomAD no frequency). This variant has not been reported in the literature in individuals affected with MSH3-related conditions. ClinVar contains an entry for this variant (Variation ID: 2199189). Studies have shown that this variant results in multiple RNA products, and produces a non-functional protein and/or introduces a premature termination codon (internal data). In summary, the currently available evidence indicates that the variant is pathogenic, but additional data are needed to prove that conclusively. Therefore, this variant has been classified as Likely Pathogenic.

NM_002439.5(MSH3):c.2085-20T>A

Gene: MSH3 (mutS homolog 3; plus strand). Cytogenetic location: 5q14.1.
Variant type: single nucleotide variant.
Coding change: c.2085-20T>A on transcript NM_002439.5 (MANE Select); 20 bases into the intron before coding-DNA position 2085, T replaced by A.
Molecular consequence: intron variant.
Genome position (GRCh38, 1-based): chr5:80,768,815, T>A. VCF-style: chr5-80768815-T-A. GRCh37 (hg19) VCF-style: chr5-80064634-T-A.
Identifiers: ClinVar variation 2199189 (VCV002199189.4), dbSNP rs2546774149, ClinGen allele CA2580073496.